The following is an entry in ClinVar:

NM_001211.6(BUB1B):c.2757G>T (p.Arg919Ser)

Genes: BUB1B (BUB1 mitotic checkpoint serine/threonine kinase B; plus strand), BUB1B-PAK6 (BUB1B-PAK6 readthrough; plus strand). Cytogenetic location: 15q15.1.
Variant type: single nucleotide variant.
Coding change: c.2757G>T on transcript NM_001211.6 (MANE Select); coding-DNA position 2757, G replaced by T.
Protein change: p.Arg919Ser; replaces arginine 919 with serine.
Molecular consequence: missense variant. On other transcripts: 5 prime UTR variant (2).
Genome position (GRCh38, 1-based): chr15:40,217,574, G>T. VCF-style: chr15-40217574-G-T. GRCh37 (hg19) VCF-style: chr15-40509775-G-T.
Other names: c.-294G>T (NM_001128628.3); c.-211G>T (NM_001128629.3); short protein forms R919S.
Identifiers: ClinVar variation 5033501 (VCV005033501.1).

ClinVar aggregate classification (germline): Uncertain significance (1 of 4 stars; one submission).

Conditions:
Inborn genetic diseases. Identifiers: MedGen C0950123, MeSH D030342.

Submission:

Ambry Genetics
Classification: Uncertain significance for Inborn genetic diseases. Last evaluated: 2026-06-24. Review status: criteria provided, single submitter. Criteria: Ambry Variant Classification Scheme 2023. Collection method: clinical testing. Allele origin: germline.
Comment: The p.R919S variant (also known as c.2757G>T), located in coding exon 21 of the BUB1B gene, results from a G to T substitution at nucleotide position 2757. The arginine at codon 919 is replaced by serine, an amino acid with dissimilar properties. This amino acid position is conserved. In addition, this alteration is predicted to be tolerated by in silico analysis. Based on the available evidence, the clinical significance of this variant remains unclear.